The following is an entry in ClinVar:

NM_000548.5(TSC2):c.3295G>T (p.Gly1099Trp)

Gene: TSC2 (TSC complex subunit 2; plus strand). Cytogenetic location: 16p13.3.
Variant type: single nucleotide variant.
Coding change: c.3295G>T on transcript NM_000548.5 (MANE Select); coding-DNA position 3295, G replaced by T.
Protein change: p.Gly1099Trp; replaces glycine 1099 with tryptophan.
Molecular consequence: missense variant.
Genome position (GRCh38, 1-based): chr16:2,079,567, G>T. VCF-style: chr16-2079567-G-T. GRCh37 (hg19) VCF-style: chr16-2129568-G-T.
Other names: c.3163G>T, p.Gly1055Trp (NM_001077183.3, NM_001370404.1); c.3295G>T, p.Gly1099Trp (NM_001114382.3); c.3055G>T, p.Gly1019Trp (NM_001318827.2); c.3019G>T, p.Gly1007Trp (NM_001318829.2); c.2563G>T, p.Gly855Trp (NM_001318831.2); c.3196G>T, p.Gly1066Trp (NM_001318832.2); c.3166G>T, p.Gly1056Trp (NM_001363528.2, NM_001370405.1, NM_021055.3); short protein forms G1007W, G1066W, G1099W, G1055W, G855W, G1019W, G1056W.
Identifiers: ClinVar variation 1411876 (VCV001411876.8), dbSNP rs776855601, ClinGen allele CA394286475.

ClinVar aggregate classification (germline): Uncertain significance (1 of 4 stars; one submission).

Conditions:
Tuberous sclerosis 2 (TSC2). Identifiers: Orphanet 805, MedGen C1860707, MONDO:0013199, OMIM 613254.

Submission:

Labcorp Genetics (formerly Invitae), Labcorp
Classification: Uncertain significance for Tuberous sclerosis 2. Last evaluated: 2024-09-12. Review status: criteria provided, single submitter. Criteria: Invitae Variant Classification Sherloc (09022015). Collection method: clinical testing. Allele origin: germline.
Comment: This sequence change replaces glycine, which is neutral and non-polar, with tryptophan, which is neutral and slightly polar, at codon 1099 of the TSC2 protein (p.Gly1099Trp). This variant is not present in population databases (gnomAD no frequency). This variant has not been reported in the literature in individuals affected with TSC2-related conditions. ClinVar contains an entry for this variant (Variation ID: 1411876). Invitae Evidence Modeling of protein sequence and biophysical properties (such as structural, functional, and spatial information, amino acid conservation, physicochemical variation, residue mobility, and thermodynamic stability) indicates that this missense variant is not expected to disrupt TSC2 protein function with a negative predictive value of 95%. In summary, the available evidence is currently insufficient to determine the role of this variant in disease. Therefore, it has been classified as a Variant of Uncertain Significance.